The following is an entry in ClinVar:

ClinVar aggregate classification (germline): Uncertain significance (1 of 4 stars; one submission).

Conditions:
Inborn genetic diseases. Identifiers: MedGen C0950123, MeSH D030342.

Allele frequency attached by ClinVar (database versions not stated): gnomAD exomes 0.00001; gnomAD 0.00002; ExAC 0.00005.
gnomAD v4.1: 15 of 1,614,084 alleles (0.00093%); highest among the groups gnomAD compares: South Asian, 0.016%; no homozygotes.

Submission:

Ambry Genetics
Classification: Uncertain significance for Inborn genetic diseases. Last evaluated: 2021-04-09. Review status: criteria provided, single submitter. Criteria: Ambry Variant Classification Scheme 2023. Collection method: clinical testing. Allele origin: germline.
Comment: The p.E883K variant (also known as c.2647G>A), located in coding exon 4 of the PRX gene, results from a G to A substitution at nucleotide position 2647. The glutamic acid at codon 883 is replaced by lysine, an amino acid with similar properties. This amino acid position is not well conserved in available vertebrate species. In addition, this alteration is predicted to be tolerated by in silico analysis. Since supporting evidence is limited at this time, the clinical significance of this alteration remains unclear.

NM_181882.3(PRX):c.2647G>A (p.Glu883Lys)

Gene: PRX (periaxin; minus strand). Cytogenetic location: 19q13.2.
Variant type: single nucleotide variant.
Coding change: c.2647G>A on transcript NM_181882.3 (MANE Select); coding-DNA position 2647, G replaced by A.
Protein change: p.Glu883Lys; replaces glutamic acid 883 with lysine.
Molecular consequence: missense variant. On other transcripts: 3 prime UTR variant (1).
Genome position (GRCh38, 1-based): chr19:40,395,705, C>T on the plus strand (G>A on the coding strand, the complement: PRX is on the minus strand). VCF-style: chr19-40395705-C-T. GRCh37 (hg19) VCF-style: chr19-40901612-C-T.
Other names: c.2932G>A, p.Glu978Lys (NM_001411127.1); c.*2852G>A (NM_020956.2); short protein forms E978K, E883K.
Identifiers: ClinVar variation 1794264 (VCV001794264.2), dbSNP rs769587753, ClinGen allele CA9444009.